The following is an entry in ClinVar:

NM_006005.3(WFS1):c.*90G>A

Gene: WFS1 (wolframin ER transmembrane glycoprotein; plus strand). Cytogenetic location: 4p16.1.
Variant type: single nucleotide variant.
Coding change: c.*90G>A on transcript NM_006005.3 (MANE Select); 90 bases downstream of the stop codon, G replaced by A.
Molecular consequence: 3 prime UTR variant.
Genome position (GRCh38, 1-based): chr4:6,302,558, G>A. VCF-style: chr4-6302558-G-A. GRCh37 (hg19) VCF-style: chr4-6304285-G-A.
Other names: c.*90G>A (NM_001145853.1).
Identifiers: ClinVar variation 349334 (VCV000349334.8), dbSNP rs1802453, ClinGen allele CA10621443.

ClinVar aggregate classification (germline): Benign. Review status: criteria provided, multiple submitters, no conflicts (2 of 4 stars). 4 submissions from 3 submitters: Benign (4). Last evaluated 2018-06-24.

Conditions:
Autosomal dominant nonsyndromic hearing loss 6 (LFSNHL). Also called: DEAFNESS, AUTOSOMAL DOMINANT 6; DEAFNESS, AUTOSOMAL DOMINANT 14; DEAFNESS, AUTOSOMAL DOMINANT 38; Autosomal dominant nonsyndromic deafness 6; DIDMOAD (Diabetes Insipidus, Diabetes Mellitus, Optic Atrophy, and Deafness). Identifiers: Orphanet 90635, MedGen C1833021, MONDO:0010963, OMIM 600965.
WFS1-Related Spectrum Disorders.

Allele frequency attached by ClinVar (database versions not stated): 1000 Genomes Project 0.07887; gnomAD 0.08126 and 0.08237; TOPMed 0.08376; gnomAD exomes 0.09397.
gnomAD v4.1: 146,400 of 1,575,390 alleles (9.3%); highest among the groups gnomAD compares: Middle Eastern, 13%; 7,188 homozygotes.

Submissions (4):

GeneDx
Classification: Benign. Last evaluated: 2018-06-24. Review status: criteria provided, single submitter. Criteria: GeneDx Variant Classification Process June 2021. Collection method: clinical testing. Allele origin: germline. Affected: yes.

Illumina Laboratory Services, Illumina
Classification: Benign for Autosomal dominant nonsyndromic hearing loss 6. Last evaluated: 2018-01-12. Review status: criteria provided, single submitter. Criteria: ICSL Variant Classification Criteria 13 December 2019. Collection method: clinical testing. Allele origin: germline.
Comment: This variant was observed in the ICSL laboratory as part of a predisposition screen in an ostensibly healthy population. It had not been previously curated by ICSL or reported in the Human Gene Mutation Database (HGMD: prior to June 1st, 2018), and was therefore a candidate for classification through an automated scoring system. Utilizing variant allele frequency, disease prevalence and penetrance estimates, and inheritance mode, an automated score was calculated to assess if this variant is too frequent to cause the disease. Based on the score and internal cut-off values, a variant classified as benign is not then subjected to further curation. The score for this variant resulted in a classification of benign for this disease.

Illumina Laboratory Services, Illumina
Classification: Benign for WFS1-Related Spectrum Disorders. Last evaluated: 2018-01-12. Review status: criteria provided, single submitter. Criteria: ICSL Variant Classification Criteria 13 December 2019. Collection method: clinical testing. Allele origin: germline.
Comment: the same text as in the submission from Illumina Laboratory Services, Illumina above.

Breakthrough Genomics
Classification: Benign. Review status: criteria provided, single submitter. Criteria: ACMG Guidelines, 2015. Collection method: not provided. Allele origin: germline. Inheritance: Autosomal recessive inheritance. Affected: yes.